The following is an entry in ClinVar:

ClinVar aggregate classification (germline): Uncertain significance (1 of 4 stars; one submission).

Conditions:
Inborn genetic diseases. Identifiers: MedGen C0950123, MeSH D030342.

Allele frequency attached by ClinVar (database versions not stated): gnomAD 0.00001.
gnomAD v4.1: 1 of 1,530,584 alleles (0.000065%); highest among the groups gnomAD compares: African/African-American, 0.0014%; no homozygotes.

Submission:

Ambry Genetics
Classification: Uncertain significance for Inborn genetic diseases. Last evaluated: 2022-05-05. Review status: criteria provided, single submitter. Criteria: Ambry Variant Classification Scheme 2023. Collection method: clinical testing. Allele origin: germline.
Comment: The p.I499F variant (also known as c.1495A>T), located in coding exon 13 of the DST gene, results from an A to T substitution at nucleotide position 1495. The isoleucine at codon 499 is replaced by phenylalanine, an amino acid with highly similar properties. This amino acid position is highly conserved in available vertebrate species. In addition, this alteration is predicted to be deleterious by in silico analysis. Since supporting evidence is limited at this time, the clinical significance of this alteration remains unclear.

NM_001374736.1(DST):c.1594A>T (p.Ile532Phe)

Gene: DST (dystonin; minus strand). Cytogenetic location: 6p12.1.
Variant type: single nucleotide variant.
Coding change: c.1594A>T on transcript NM_001374736.1 (MANE Select); coding-DNA position 1594, A replaced by T.
Protein change: p.Ile532Phe; replaces isoleucine 532 with phenylalanine.
Molecular consequence: missense variant.
Genome position (GRCh38, 1-based): chr6:56,646,143, T>A on the plus strand (A>T on the coding strand, the complement: DST is on the minus strand). VCF-style: chr6-56646143-T-A. GRCh37 (hg19) VCF-style: chr6-56510941-T-A.
Other names: c.1495A>T, p.Ile499Phe (NM_001144769.5); c.1081A>T, p.Ile361Phe (NM_001144770.2); c.1594A>T, p.Ile532Phe (NM_001374722.1); c.961A>T, p.Ile321Phe (NM_001374729.1, NM_001374730.1, NM_001386100.1 and 1 more transcripts); c.1621A>T, p.Ile541Phe (NM_001374734.1); short protein forms I532F, I541F, I321F, I361F, I499F.
Identifiers: ClinVar variation 1773868 (VCV001773868.2), dbSNP rs2098941462, ClinGen allele CA364616213.